The following is an entry in ClinVar:

ClinVar aggregate classification (germline): Likely benign (1 of 4 stars; one submission).

Allele frequency attached by ClinVar (database versions not stated): TOPMed 0.00002; gnomAD 0.00005; gnomAD exomes 0.00007; ExAC 0.00008; 1000 Genomes Project 30x 0.00016; 1000 Genomes Project 0.00020.
gnomAD v4.1: 107 of 1,614,116 alleles (0.0066%); highest among the groups gnomAD compares: South Asian, 0.1%; 2 homozygotes.

Submission:

CeGaT Center for Human Genetics Tuebingen
Classification: Likely benign. Last evaluated: 2024-03-01. Review status: criteria provided, single submitter. Criteria: CeGaT Center For Human Genetics Tuebingen Variant Classification Criteria Version 2. Collection method: clinical testing. Allele origin: germline. Affected: yes. Observed: 1 variant allele.
Comment: TRAPPC12: BP4, BP7

NM_016030.6(TRAPPC12):c.1458G>A (p.Glu486=)

Gene: TRAPPC12 (trafficking protein particle complex subunit 12; plus strand). Cytogenetic location: 2p25.3.
Variant type: single nucleotide variant.
Coding change: c.1458G>A on transcript NM_016030.6 (MANE Select); coding-DNA position 1458, G replaced by A.
Protein change: p.Glu486=; no amino-acid change (glutamic acid 486 retained).
Molecular consequence: synonymous variant.
Genome position (GRCh38, 1-based): chr2:3,443,819, G>A. VCF-style: chr2-3443819-G-A. GRCh37 (hg19) VCF-style: chr2-3447590-G-A.
Other names: c.1458G>A, p.Glu486= (NM_001321102.2).
Identifiers: ClinVar variation 3067673 (VCV003067673.21), dbSNP rs563715164, ClinGen allele CA1515456.